The following is an entry in ClinVar:

NM_014956.5(CEP164):c.3262G>A (p.Asp1088Asn)

Gene: CEP164 (centrosomal protein 164; plus strand). Cytogenetic location: 11q23.3.
Variant type: single nucleotide variant.
Coding change: c.3262G>A on transcript NM_014956.5 (MANE Select); coding-DNA position 3262, G replaced by A.
Protein change: p.Asp1088Asn; replaces aspartic acid 1088 with asparagine.
Molecular consequence: missense variant.
Genome position (GRCh38, 1-based): chr11:117,396,595, G>A. VCF-style: chr11-117396595-G-A. GRCh37 (hg19) VCF-style: chr11-117267311-G-A.
Other names: c.3271G>A, p.Asp1091Asn (NM_001271933.2); c.3262G>A (NM_014956.4); short protein forms D1088N, D1091N.
Identifiers: ClinVar variation 1409414 (VCV001409414.7), dbSNP rs760736423, ClinGen allele CA6295390.

ClinVar aggregate classification (germline): Uncertain significance. Review status: criteria provided, multiple submitters, no conflicts (2 of 4 stars). 2 submissions from 2 submitters: Uncertain significance (2). Last evaluated 2024-05-13.

Conditions:
Inborn genetic diseases. Identifiers: MedGen C0950123, MeSH D030342.
Nephronophthisis 15 (NPHP15). Identifiers: Orphanet 3156, MedGen C3541853, MONDO:0013917, OMIM 614845.

Allele frequency attached by ClinVar (database versions not stated): ExAC 0.00001; gnomAD exomes 0.00001.
gnomAD v4.1: 5 of 1,613,652 alleles (0.00031%); highest among the groups gnomAD compares: Admixed American, 0.005%; no homozygotes.

Submissions (2):

Ambry Genetics
Classification: Uncertain significance for Inborn genetic diseases. Last evaluated: 2024-05-13. Review status: criteria provided, single submitter. Criteria: Ambry Variant Classification Scheme 2023. Collection method: clinical testing. Allele origin: germline.

Labcorp Genetics (formerly Invitae), Labcorp
Classification: Uncertain significance for Nephronophthisis 15. Last evaluated: 2022-10-07. Review status: criteria provided, single submitter. Criteria: Invitae Variant Classification Sherloc (09022015). Collection method: clinical testing. Allele origin: germline.
Comment: In summary, the available evidence is currently insufficient to determine the role of this variant in disease. Therefore, it has been classified as a Variant of Uncertain Significance. Advanced modeling of protein sequence and biophysical properties (such as structural, functional, and spatial information, amino acid conservation, physicochemical variation, residue mobility, and thermodynamic stability) performed at Invitae indicates that this missense variant is not expected to disrupt CEP164 protein function. ClinVar contains an entry for this variant (Variation ID: 1409414). This variant has not been reported in the literature in individuals affected with CEP164-related conditions. This variant is present in population databases (rs760736423, gnomAD 0.009%). This sequence change replaces aspartic acid, which is acidic and polar, with asparagine, which is neutral and polar, at codon 1088 of the CEP164 protein (p.Asp1088Asn).